The following is an entry in ClinVar:

NM_000212.3(ITGB3):c.16C>T (p.Arg6Trp)

Genes: ITGB3 (integrin subunit beta 3; plus strand), LOC130061041 (ATAC-STARR-seq lymphoblastoid silent region 8624; plus strand). Cytogenetic location: 17q21.32.
Variant type: single nucleotide variant.
Coding change: c.16C>T on transcript NM_000212.3 (MANE Select); coding-DNA position 16, C replaced by T.
Protein change: p.Arg6Trp; replaces arginine 6 with tryptophan.
Molecular consequence: missense variant.
Genome position (GRCh38, 1-based): chr17:47,253,877, C>T. VCF-style: chr17-47253877-C-T. GRCh37 (hg19) VCF-style: chr17-45331243-C-T.
Other names: short protein forms R6W.
Identifiers: ClinVar variation 891898 (VCV000891898.8), dbSNP rs752525603, ClinGen allele CA8622827.

ClinVar aggregate classification (germline): Uncertain significance. Review status: criteria provided, multiple submitters, no conflicts (2 of 4 stars). 3 submissions from 3 submitters: Uncertain significance (3). Last evaluated 2026-08-01.

Conditions:
Glanzmann thrombasthenia. Also called: PLATELET GLYCOPROTEIN IIb-IIIa DEFICIENCY; Glanzmann's thrombasthenia; THROMBASTHENIA OF GLANZMANN AND NAEGELI; Thrombasthenia. Identifiers: Orphanet 849, MedGen C0040015, MONDO:0100326.

Allele frequency attached by ClinVar (database versions not stated): ExAC below 0.00001; TOPMed 0.00005; gnomAD 0.00007 and 0.00009; gnomAD exomes 0.00024.
gnomAD v4.1: 70 of 1,253,906 alleles (0.0056%); highest among the groups gnomAD compares: Middle Eastern, 0.03%; no homozygotes.

Submissions (3):

CeGaT Center for Human Genetics Tuebingen
Classification: Uncertain significance. Last evaluated: 2026-08-01. Review status: criteria provided, single submitter. Criteria: CeGaT Center For Human Genetics Tuebingen Variant Classification Criteria Version 2. Collection method: clinical testing. Allele origin: germline. Affected: yes. Observed: 1 variant allele.
Comment: ITGB3: PM2

Labcorp Genetics (formerly Invitae), Labcorp
Classification: Uncertain significance. Last evaluated: 2026-01-28. Review status: criteria provided, single submitter. Criteria: Invitae Variant Classification Sherloc (09022015). Collection method: clinical testing. Allele origin: germline.
Comment: This sequence change replaces arginine, which is basic and polar, with tryptophan, which is neutral and slightly polar, at codon 6 of the ITGB3 protein (p.Arg6Trp). This variant is present in population databases (rs752525603, gnomAD 0.05%). This variant has not been reported in the literature in individuals affected with ITGB3-related conditions. ClinVar contains an entry for this variant (Variation ID: 891898). An algorithm developed to predict the effect of missense changes on protein structure and function outputs the following: PolyPhen-2: "Benign". The tryptophan amino acid residue is found in multiple mammalian species, which suggests that this missense change does not adversely affect protein function. In summary, the available evidence is currently insufficient to determine the role of this variant in disease. Therefore, it has been classified as a Variant of Uncertain Significance.

Illumina Laboratory Services, Illumina
Classification: Uncertain significance for Glanzmann thrombasthenia 1. Last evaluated: 2018-01-13. Review status: criteria provided, single submitter. Criteria: ICSL Variant Classification Criteria 13 December 2019. Collection method: clinical testing. Allele origin: germline.